The following is an entry in ClinVar:

ClinVar aggregate classification (germline): Benign/Likely benign. Review status: criteria provided, multiple submitters, no conflicts (2 of 4 stars). 12 submissions from 12 submitters: Benign (4); Likely benign (8). Last evaluated 2026-02-02.

Conditions:
Joubert syndrome 32 (JBTS32). Identifiers: MedGen C4540342, MONDO:0033309, OMIM 617757.
Basal cell nevus syndrome 2 (BCNS2). Also called: NEVOID BASAL CELL CARCINOMA SYNDROME 2. Identifiers: MedGen C5830451, MONDO:0958189, OMIM 620343.
Familial meningioma. Also called: Meningioma, familial, susceptibility to. Identifiers: Orphanet 263662, MedGen C3551915, MONDO:0011789, OMIM 607174.
Medulloblastoma (MDB). Also called: MEDULLOBLASTOMA PREDISPOSITION SYNDROME; Medulloblastoma, somatic. Identifiers: Orphanet 616, MedGen C0025149, MeSH D008527, MONDO:0007959, OMIM 155255, HP:0002885.
Gorlin syndrome. Also called: Nevoid Basal Cell Carcinoma Syndrome; Basal cell nevus syndrome. Identifiers: Orphanet 377, MedGen C0004779, MONDO:0007187.
Hereditary cancer-predisposing syndrome. Also called: Tumor predisposition; Hereditary Cancer Syndrome; Neoplastic Syndromes, Hereditary; Hereditary neoplastic syndrome. Identifiers: Orphanet 140162, MedGen C0027672, MeSH D009386, MONDO:0015356.

Allele frequency attached by ClinVar (database versions not stated): gnomAD exomes 0.00038 and 0.00090; ExAC 0.00149; 1000 Genomes Project 0.00300; 1000 Genomes Project 30x 0.00328; ESP Exome Variant Server 0.00355; gnomAD 0.00391 and 0.00425; TOPMed 0.00456.
gnomAD v4.1: 1,139 of 1,544,724 alleles (0.074%); highest among the groups gnomAD compares: African/African-American, 1.3%; 6 homozygotes.

Submissions (12):

Labcorp Genetics (formerly Invitae), Labcorp
Classification: Benign for Gorlin syndrome; Medulloblastoma. Last evaluated: 2026-02-02. Review status: criteria provided, single submitter. Criteria: Invitae Variant Classification Sherloc (09022015). Collection method: clinical testing. Allele origin: germline.

Center for Genomic Medicine, Rigshospitalet, Copenhagen University Hospital
Classification: Benign. Last evaluated: 2025-12-29. Review status: criteria provided, single submitter. Criteria: ACMG Guidelines, 2015. Collection method: clinical testing. Allele origin: germline.

Quest Diagnostics Nichols Institute San Juan Capistrano
Classification: Benign. Last evaluated: 2025-06-11. Review status: criteria provided, single submitter. Criteria: Quest Diagnostics criteria. Collection method: clinical testing. Allele origin: unknown.

Mayo Clinic Laboratories, Mayo Clinic
Classification: Likely benign. Last evaluated: 2025-06-05. Review status: criteria provided, single submitter. Criteria: ACMG Guidelines, 2015. Collection method: clinical testing. Allele origin: germline. Observed: 1 variant allele.
Comment: BS1, BP4, BP7

CeGaT Center for Human Genetics Tuebingen
Classification: Likely benign. Last evaluated: 2025-05-01. Review status: criteria provided, single submitter. Criteria: CeGaT Center For Human Genetics Tuebingen Variant Classification Criteria Version 2. Collection method: clinical testing. Allele origin: germline. Affected: yes. Observed: 5 variant alleles.
Comment: SUFU: BP4, BS1

Blueprint Genetics
Classification: Likely benign. Last evaluated: 2024-10-18. Review status: criteria provided, single submitter. Criteria: ACMG Guidelines, 2015. Collection method: clinical testing. Allele origin: germline.

Department of Pathology and Laboratory Medicine, Sinai Health System
Classification: Likely benign for Medulloblastoma; Familial meningioma; Joubert syndrome 32; Basal cell nevus syndrome 2. Last evaluated: 2024-07-12. Review status: criteria provided, single submitter. Criteria: ACMG Guidelines, 2015. Collection method: clinical testing. Allele origin: germline.

GeneDx
Classification: Likely benign. Last evaluated: 2021-04-26. Review status: criteria provided, single submitter. Criteria: GeneDx Variant Classification Process June 2021. Collection method: clinical testing. Allele origin: germline. Affected: yes.

Women's Health and Genetics/Laboratory Corporation of America, LabCorp
Classification: Benign. Last evaluated: 2018-11-19. Review status: criteria provided, single submitter. Criteria: LabCorp Variant Classification Summary - May 2015. Collection method: clinical testing. Allele origin: germline.
Comment: Variant summary: SUFU c.12G>A alters a conserved nucleotide resulting in a synonymous change. 5/5 computational tools predict no significant impact on normal splicing. However, these predictions have yet to be confirmed by functional studies. The variant allele was found at a frequency of 0.0015 in 171858 control chromosomes in the gnomAD database, including 1 homozygotes. The observed variant frequency is approximately 1460-fold higher than the estimated maximal expected allele frequency for a pathogenic variant in SUFU causing Nevoid Basal Cell Carcinoma Syndrome (Gorlin Syndrome) phenotype (1e-06), strongly suggesting that the variant is benign. To our knowledge, no occurrence of c.12G>A in individuals affected with Nevoid Basal Cell Carcinoma Syndrome (Gorlin Syndrome) and no experimental evidence demonstrating its impact on protein function have been reported. Three ClinVar submissions from clinical diagnostic laboratories (evaluation after 2014) cite the variant twice as likely benign/benign and once as uncertain significance. Based on the evidence outlined above, the variant was classified as benign.

Illumina Laboratory Services, Illumina
Classification: Likely benign for Medulloblastoma. Last evaluated: 2018-01-13. Review status: criteria provided, single submitter. Criteria: ICSL Variant Classification Criteria 13 December 2019. Collection method: clinical testing. Allele origin: germline.
Comment: This variant was observed in the ICSL laboratory as part of a predisposition screen in an ostensibly healthy population. It had not been previously curated by ICSL or reported in the Human Gene Mutation Database (HGMD: prior to June 1st, 2018), and was therefore a candidate for classification through an automated scoring system. Utilizing variant allele frequency, disease prevalence and penetrance estimates, and inheritance mode, an automated score was calculated to assess if this variant is too frequent to cause the disease. Based on the score and internal cut-off values, a variant classified as likely benign is not then subjected to further curation. The score for this variant resulted in a classification of likely benign for this disease.

Ambry Genetics
Classification: Likely benign for Hereditary cancer-predisposing syndrome. Last evaluated: 2017-03-08. Review status: criteria provided, single submitter. Criteria: Ambry Variant Classification Scheme 2023. Collection method: clinical testing. Allele origin: germline.

Breakthrough Genomics
Classification: Likely benign. Review status: criteria provided, single submitter. Criteria: ACMG Guidelines, 2015. Collection method: not provided. Allele origin: germline. Inheritance: Autosomal recessive inheritance. Affected: yes.

Literature cited by the submitters: PubMed 36315513 (cited by Quest Diagnostics Nichols Institute San Juan Capistrano).

NM_016169.4(SUFU):c.12G>A (p.Leu4=)

Genes: SUFU (SUFU negative regulator of hedgehog signaling; plus strand), LOC130004614 (ATAC-STARR-seq lymphoblastoid silent region 2764; plus strand). Cytogenetic location: 10q24.32.
Variant type: single nucleotide variant.
Coding change: c.12G>A on transcript NM_016169.4 (MANE Select); coding-DNA position 12, G replaced by A.
Protein change: p.Leu4=; no amino-acid change (leucine 4 retained).
Molecular consequence: synonymous variant.
Genome position (GRCh38, 1-based): chr10:102,504,164, G>A. VCF-style: chr10-102504164-G-A. GRCh37 (hg19) VCF-style: chr10-104263921-G-A.
Other names: p.Leu4=; c.12G>A, p.Leu4= (NM_001178133.2).
Identifiers: ClinVar variation 241081 (VCV000241081.52), dbSNP rs189234140, ClinGen allele CA5667576.